The following is an entry in ClinVar:

NM_014991.6(WDFY3):c.6956G>A (p.Arg2319His)

Gene: WDFY3 (WD repeat and FYVE domain containing 3; minus strand). Cytogenetic location: 4q21.23.
Variant type: single nucleotide variant.
Coding change: c.6956G>A on transcript NM_014991.6 (MANE Select); coding-DNA position 6956, G replaced by A.
Protein change: p.Arg2319His; replaces arginine 2319 with histidine.
Molecular consequence: missense variant.
Genome position (GRCh38, 1-based): chr4:84,735,080, C>T on the plus strand (G>A on the coding strand, the complement: WDFY3 is on the minus strand). VCF-style: chr4-84735080-C-T. GRCh37 (hg19) VCF-style: chr4-85656233-C-T.
Other names: short protein forms R2319H.
Identifiers: ClinVar variation 4686763 (VCV004686763.1).

ClinVar aggregate classification (germline): Uncertain significance (1 of 4 stars; one submission).

gnomAD v4.1: 7 of 1,613,064 alleles (0.00043%); highest among the groups gnomAD compares: South Asian, 0.0022%; no homozygotes.

Submission:

GeneDx
Classification: Uncertain significance. Last evaluated: 2025-07-23. Review status: criteria provided, single submitter. Criteria: GeneDx Variant Classification Process June 2021. Collection method: clinical testing. Allele origin: germline. Affected: yes.
Comment: Not observed at significant frequency in large population cohorts (gnomAD); In silico analysis supports that this missense variant has a deleterious effect on protein structure/function; Has not been previously published as pathogenic or benign to our knowledge